The following is an entry in ClinVar:

NC_000004.11:g.(?_39184178)_(39259194_?)dup

Gene: WDR19 (WD repeat domain 19; plus strand). Cytogenetic location: 4p14.
Variant type: Duplication.
Identifiers: ClinVar variation 2426918 (VCV002426918.3).

ClinVar aggregate classification (germline): Uncertain significance (1 of 4 stars; one submission).

Conditions:
Senior-Loken syndrome 8 (SLSN8). Identifiers: Orphanet 3156, MedGen C4225376, MONDO:0014579, OMIM 616307.
Asphyxiating thoracic dystrophy 5 (SRTD5). Also called: SHORT-RIB THORACIC DYSPLASIA 5 WITH OR WITHOUT POLYDACTYLY; SHORT-RIB THORACIC DYSPLASIA 5 WITHOUT POLYDACTYLY. Identifiers: Orphanet 474, MedGen C3280598, MONDO:0013717, OMIM 614376.

Submission:

Labcorp Genetics (formerly Invitae), Labcorp
Classification: Uncertain significance for Senior-Loken syndrome 8; Asphyxiating thoracic dystrophy 5. Last evaluated: 2022-03-29. Review status: criteria provided, single submitter. Criteria: Invitae Variant Classification Sherloc (09022015). Collection method: clinical testing. Allele origin: germline.
Comment: In summary, the available evidence is currently insufficient to determine the role of this variant in disease. Therefore, it has been classified as a Variant of Uncertain Significance. Experimental studies and prediction algorithms are not available or were not evaluated, and the functional significance of this variant is currently unknown. This variant has not been reported in the literature in individuals affected with WDR19-related conditions. This variant results in a copy number gain of the genomic region encompassing exon(s) 1-28 of the WDR19 gene. This region includes the initiator codon of the gene. This copy number gain extends beyond the assayed region for this gene and therefore may encompass additional genes. As the precise location of this event is unknown, it may be in tandem or it may be located elsewhere in the genome.